The following is an entry in ClinVar:

ClinVar aggregate classification (germline): Uncertain significance. Review status: criteria provided, multiple submitters, no conflicts (2 of 4 stars). 5 submissions from 5 submitters: Uncertain significance (5). Last evaluated 2022-08-19.

Conditions:
Emery-Dreifuss muscular dystrophy 4, autosomal dominant (EDMD4). Also called: EMERY-DREIFUSS MUSCULAR DYSTROPHY 4 WITH VARIABLE FEATURES. Identifiers: Orphanet 261, MedGen C2751807, MONDO:0013071, OMIM 612998.
Autosomal recessive ataxia, Beauce type. Also called: SYNE1-Related Autosomal Recessive Cerebellar Ataxia; Spinocerebellar ataxia, autosomal recessive 8; ATAXIA, RECESSIVE, OF BEAUCE; SYNE1 Deficiency. Identifiers: Orphanet 88644, MedGen C1853116, MONDO:0012549, OMIM 610743.
Arthrogryposis multiplex congenita 3, myogenic type. Also called: ARTHROGRYPOSIS MULTIPLEX CONGENITA, MYOGENIC TYPE. Identifiers: MedGen C5193121, MONDO:0032778, OMIM 618484.

Allele frequency attached by ClinVar (database versions not stated): gnomAD exomes 0.00002 and 0.00003; gnomAD 0.00003; TOPMed 0.00003; ExAC 0.00005.
gnomAD v4.1: 42 of 1,613,490 alleles (0.0026%); highest among the groups gnomAD compares: Admixed American, 0.005%; no homozygotes.

Submissions (5):

Labcorp Genetics (formerly Invitae), Labcorp
Classification: Uncertain significance for Emery-Dreifuss muscular dystrophy 4, autosomal dominant; Autosomal recessive ataxia, Beauce type. Last evaluated: 2022-08-19. Review status: criteria provided, single submitter. Criteria: Invitae Variant Classification Sherloc (09022015). Collection method: clinical testing. Allele origin: germline.
Comment: This sequence change replaces arginine, which is basic and polar, with tryptophan, which is neutral and slightly polar, at codon 82 of the SYNE1 protein (p.Arg82Trp). This variant is present in population databases (rs772761179, gnomAD 0.006%). This variant has not been reported in the literature in individuals affected with SYNE1-related conditions. ClinVar contains an entry for this variant (Variation ID: 471036). Algorithms developed to predict the effect of missense changes on protein structure and function are either unavailable or do not agree on the potential impact of this missense change (SIFT: "Deleterious"; PolyPhen-2: "Possibly Damaging"; Align-GVGD: "Class C0"). In summary, the available evidence is currently insufficient to determine the role of this variant in disease. Therefore, it has been classified as a Variant of Uncertain Significance.

MGZ Medical Genetics Center
Classification: Uncertain significance for Emery-Dreifuss muscular dystrophy 4, autosomal dominant. Last evaluated: 2022-02-10. Review status: criteria provided, single submitter. Criteria: ACMG Guidelines, 2015. Collection method: clinical testing. Allele origin: germline. Affected: yes. Observed: 1 variant allele.
Comment: ACMG criteria applied: PM2_SUP, PP3

Fulgent Genetics
Classification: Uncertain significance for Autosomal recessive ataxia, Beauce type; Emery-Dreifuss muscular dystrophy 4, autosomal dominant; Arthrogryposis multiplex congenita 3, myogenic type. Last evaluated: 2022-01-21. Review status: criteria provided, single submitter. Criteria: ACMG Guidelines, 2015. Collection method: clinical testing. Allele origin: unknown.

Athena Diagnostics
Classification: Uncertain significance. Last evaluated: 2020-08-13. Review status: criteria provided, single submitter. Criteria: Athena Diagnostics Criteria. Collection method: clinical testing. Allele origin: unknown.

Eurofins Ntd Llc (ga)
Classification: Uncertain significance. Last evaluated: 2018-08-20. Review status: criteria provided, single submitter. Criteria: EGL ClinVar v180209 classification definitions. Collection method: clinical testing. Allele origin: germline. Observed: 1 variant allele, 1 heterozygote.

NM_182961.4(SYNE1):c.244C>T (p.Arg82Trp)

Gene: SYNE1 (spectrin repeat containing nuclear envelope protein 1; minus strand). Cytogenetic location: 6q25.2.
Variant type: single nucleotide variant.
Coding change: c.244C>T on transcript NM_182961.4 (MANE Select); coding-DNA position 244, C replaced by T.
Protein change: p.Arg82Trp; replaces arginine 82 with tryptophan.
Molecular consequence: missense variant.
Genome position (GRCh38, 1-based): chr6:152,520,524, G>A on the plus strand (C>T on the coding strand, the complement: SYNE1 is on the minus strand). VCF-style: chr6-152520524-G-A. GRCh37 (hg19) VCF-style: chr6-152841659-G-A.
Other names: c.244C>T, p.Arg82Trp (NM_033071.5); short protein forms R82W.
Identifiers: ClinVar variation 471036 (VCV000471036.12), dbSNP rs772761179, ClinGen allele CA4059820.